The following is an entry in ClinVar:

ClinVar aggregate classification (germline): Uncertain significance (1 of 4 stars; one submission).

Conditions:
Cardiovascular phenotype. Identifiers: MedGen CN230736.

gnomAD v4.1: 1 of 1,613,966 alleles (0.000062%); highest among the groups gnomAD compares: South Asian, 0.0011%; no homozygotes.

Submission:

Ambry Genetics
Classification: Uncertain significance for Cardiovascular phenotype. Last evaluated: 2025-01-10. Review status: criteria provided, single submitter. Criteria: Ambry Variant Classification Scheme 2023. Collection method: clinical testing. Allele origin: germline.
Comment: The p.Y735C variant (also known as c.2204A>G), located in coding exon 14 of the CBL gene, results from an A to G substitution at nucleotide position 2204. The tyrosine at codon 735 is replaced by cysteine, an amino acid with highly dissimilar properties. This amino acid position is conserved. In addition, the in silico prediction for this alteration is inconclusive. Based on the available evidence, the clinical significance of this variant remains unclear.

NM_005188.4(CBL):c.2204A>G (p.Tyr735Cys)

Gene: CBL (Cbl proto-oncogene; plus strand). Cytogenetic location: 11q23.3.
Variant type: single nucleotide variant.
Coding change: c.2204A>G on transcript NM_005188.4 (MANE Select); coding-DNA position 2204, A replaced by G.
Protein change: p.Tyr735Cys; replaces tyrosine 735 with cysteine.
Molecular consequence: missense variant.
Genome position (GRCh38, 1-based): chr11:119,297,434, A>G. VCF-style: chr11-119297434-A-G. GRCh37 (hg19) VCF-style: chr11-119168144-A-G.
Other names: short protein forms Y735C.
Identifiers: ClinVar variation 3827807 (VCV003827807.1).
Genomic context (GRCh38, chr11:119,297,434, plus strand): 5'-TCTGGTTCAGAGCATGTGATTGCGACCAGCAGATTGATAGCTGTACGTATGAAGCAATGT[A>G]TAATATTCAGTCCCAGGCGCCATCTATCACCGAGAGCAGCACCTTTGGTAAGTTGCCATT-3'
Protein context (NP_005179.2, residues 725-745): QIDSCTYEAM[Tyr735Cys]NIQSQAPSIT